The following is an entry in ClinVar:

ClinVar aggregate classification (germline): Uncertain significance (1 of 4 stars; one submission).

Conditions:
Hereditary cancer-predisposing syndrome. Also called: Tumor predisposition; Hereditary Cancer Syndrome; Hereditary neoplastic syndrome; Neoplastic Syndromes, Hereditary. Identifiers: Orphanet 140162, MedGen C0027672, MeSH D009386, MONDO:0015356.

Submission:

Ambry Genetics
Classification: Uncertain significance for Hereditary cancer-predisposing syndrome. Last evaluated: 2023-08-30. Review status: criteria provided, single submitter. Criteria: Ambry Variant Classification Scheme 2023. Collection method: clinical testing. Allele origin: germline.
Comment: The p.L1352Q variant (also known as c.4055T>A), located in coding exon 33 of the TSC2 gene, results from a T to A substitution at nucleotide position 4055. The leucine at codon 1352 is replaced by glutamine, an amino acid with dissimilar properties. This amino acid position is conserved. In addition, the in silico prediction for this alteration is inconclusive. Since supporting evidence is limited at this time, the clinical significance of this alteration remains unclear.

NM_000548.5(TSC2):c.4055T>A (p.Leu1352Gln)

Gene: TSC2 (TSC complex subunit 2; plus strand). Cytogenetic location: 16p13.3.
Variant type: single nucleotide variant.
Coding change: c.4055T>A on transcript NM_000548.5 (MANE Select); coding-DNA position 4055, T replaced by A.
Protein change: p.Leu1352Gln; replaces leucine 1352 with glutamine.
Molecular consequence: missense variant. On other transcripts: non-coding transcript variant (5).
Genome position (GRCh38, 1-based): chr16:2,084,277, T>A. VCF-style: chr16-2084277-T-A. GRCh37 (hg19) VCF-style: chr16-2134278-T-A.
Other names: c.3854T>A, p.Leu1285Gln (NM_001077183.3); c.3986T>A, p.Leu1329Gln (NM_001114382.3); c.3746T>A, p.Leu1249Gln (NM_001318827.2); c.3710T>A, p.Leu1237Gln (NM_001318829.2); c.3323T>A, p.Leu1108Gln (NM_001318831.2); c.3887T>A, p.Leu1296Gln (NM_001318832.2); c.3857T>A, p.Leu1286Gln (NM_001363528.2); c.3923T>A, p.Leu1308Gln (NM_001370404.1); and 26 more; short protein forms L1248Q, L1266Q, L1308Q, L1329Q, L751Q, L861Q, L1108Q, L1286Q.
Identifiers: ClinVar variation 2626447 (VCV002626447.2), dbSNP rs2544256801, ClinGen allele CA394299345.
Genomic context (GRCh38, chr16:2,084,277, plus strand): 5'-GTCCTTTCTAGTCGTCCTCAGTCTCCAGCCAGGAGGAGAAGTCGCTCCACGCGGAGGAGC[T>A]GGTTGGCAGGGGCATCCCCATCGAGCGAGTCGTCTCCTCGGAGGGTGGCCGGCCCTCTGT-3'
Protein context (NP_000539.2, residues 1342-1362): QEEKSLHAEE[Leu1352Gln]VGRGIPIERV